The following is an entry in ClinVar:

ClinVar aggregate classification (germline): Uncertain significance. Review status: criteria provided, multiple submitters, no conflicts (2 of 4 stars). 2 submissions from 2 submitters: Uncertain significance (2). Last evaluated 2025-09-01.

Conditions:
Inborn genetic diseases. Identifiers: MedGen C0950123, MeSH D030342.
Cranium bifidum occultum. Also called: Enlarged Parietal Foramina; CATLIN MARKS; CRANIUM BIFIDUM, HEREDITARY. Identifiers: MedGen C1868598, HP:0004423.

gnomAD v4.1: 3 of 1,607,818 alleles (0.00019%); highest among the groups gnomAD compares: Non-Finnish European, 0.00025%; no homozygotes.

Submissions (2):

Labcorp Genetics (formerly Invitae), Labcorp
Classification: Uncertain significance for Cranium bifidum occultum. Last evaluated: 2025-09-01. Review status: criteria provided, single submitter. Criteria: Invitae Variant Classification Sherloc (09022015). Collection method: clinical testing. Allele origin: germline.
Comment: This sequence change replaces serine, which is neutral and polar, with proline, which is neutral and non-polar, at codon 106 of the MSX2 protein (p.Ser106Pro). This variant is present in population databases (no rsID available, gnomAD 0.002%). This variant has not been reported in the literature in individuals affected with MSX2-related conditions. Invitae Evidence Modeling of protein sequence and biophysical properties (such as structural, functional, and spatial information, amino acid conservation, physicochemical variation, residue mobility, and thermodynamic stability) indicates that this missense variant is not expected to disrupt MSX2 protein function with a negative predictive value of 80%. In summary, the available evidence is currently insufficient to determine the role of this variant in disease. Therefore, it has been classified as a Variant of Uncertain Significance.

Ambry Genetics
Classification: Uncertain significance for Inborn genetic diseases. Last evaluated: 2025-08-08. Review status: criteria provided, single submitter. Criteria: Ambry Variant Classification Scheme 2023. Collection method: clinical testing. Allele origin: germline.

NM_002449.5(MSX2):c.316T>C (p.Ser106Pro)

Gene: MSX2 (msh homeobox 2; plus strand). Cytogenetic location: 5q35.2.
Variant type: single nucleotide variant.
Coding change: c.316T>C on transcript NM_002449.5 (MANE Select); coding-DNA position 316, T replaced by C.
Protein change: p.Ser106Pro; replaces serine 106 with proline.
Molecular consequence: missense variant.
Genome position (GRCh38, 1-based): chr5:174,724,975, T>C. VCF-style: chr5-174724975-T-C. GRCh37 (hg19) VCF-style: chr5-174151978-T-C.
Other names: c.316T>C, p.Ser106Pro (NM_001363626.2); short protein forms S106P.
Identifiers: ClinVar variation 4111444 (VCV004111444.2).
Genomic context (GRCh38, chr5:174,724,975, plus strand): 5'-GCTCGGGAAGCGCACAGCCCCGGGCCGCTGGTGAAGCCCTTCGAGACCGCCTCGGTCAAG[T>C]CGGAAAATTCAGAAGATGGAGCGGCGTGGATGCAGGAACCCGGCCGATATTCGCCGCCGC-3'
Protein context (NP_002440.2, residues 96-116): VKPFETASVK[Ser106Pro]ENSEDGAAWM